The following is an entry in ClinVar:

NM_018417.6(ADCY10):c.1793A>G (p.Asp598Gly)

Gene: ADCY10 (adenylate cyclase 10; minus strand). Cytogenetic location: 1q24.2.
Variant type: single nucleotide variant.
Coding change: c.1793A>G on transcript NM_018417.6 (MANE Select); coding-DNA position 1793, A replaced by G.
Protein change: p.Asp598Gly; replaces aspartic acid 598 with glycine.
Molecular consequence: missense variant.
Genome position (GRCh38, 1-based): chr1:167,860,887, T>C on the plus strand (A>G on the coding strand, the complement: ADCY10 is on the minus strand). VCF-style: chr1-167860887-T-C. GRCh37 (hg19) VCF-style: chr1-167830125-T-C.
Other names: c.1334A>G, p.Asp445Gly (NM_001167749.3); c.1517A>G, p.Asp506Gly (NM_001297772.2); c.1793A>G (NM_018417.5); short protein forms D506G, D598G, D445G.
Identifiers: ClinVar variation 2970919 (VCV002970919.4), dbSNP rs768356705, ClinGen allele CA1227847.

ClinVar aggregate classification (germline): Uncertain significance. Review status: criteria provided, multiple submitters, no conflicts (2 of 4 stars). 2 submissions from 2 submitters: Uncertain significance (2). Last evaluated 2026-02-24.

Conditions:
ADCY10-related disorder. Also called: ADCY10-related condition.

Allele frequency attached by ClinVar (database versions not stated): gnomAD exomes 0.00001; gnomAD 0.00003; TOPMed 0.00004; ExAC 0.00005.

Submissions (2):

PreventionGenetics, part of Exact Sciences
Classification: Uncertain significance for ADCY10-related condition. Last evaluated: 2026-02-24. Review status: criteria provided, single submitter. Criteria: ACMG Guidelines, 2015. Collection method: clinical testing. Allele origin: germline.
Comment: The ADCY10 c.1793A>G variant is predicted to result in the amino acid substitution p.Asp598Gly. To our knowledge, this variant has not been reported in the literature. This variant is reported in 0.023% of alleles in individuals of Latino descent in gnomAD. Although we suspect that this variant may be benign, at this time, the clinical significance of this variant is uncertain due to the absence of conclusive functional and genetic evidence.

Labcorp Genetics (formerly Invitae), Labcorp
Classification: Uncertain significance. Last evaluated: 2024-05-02. Review status: criteria provided, single submitter. Criteria: Invitae Variant Classification Sherloc (09022015). Collection method: clinical testing. Allele origin: germline.
Comment: This sequence change replaces aspartic acid, which is acidic and polar, with glycine, which is neutral and non-polar, at codon 598 of the ADCY10 protein (p.Asp598Gly). This variant is present in population databases (rs768356705, gnomAD 0.02%). This variant has not been reported in the literature in individuals affected with ADCY10-related conditions. An algorithm developed to predict the effect of missense changes on protein structure and function (PolyPhen-2) suggests that this variant is likely to be disruptive. In summary, the available evidence is currently insufficient to determine the role of this variant in disease. Therefore, it has been classified as a Variant of Uncertain Significance.